The following is an entry in ClinVar:

ClinVar aggregate classification (germline): Uncertain significance (1 of 4 stars; one submission).

Conditions:
Hereditary cancer-predisposing syndrome. Also called: Tumor predisposition; Hereditary neoplastic syndrome; Hereditary Cancer Syndrome; Neoplastic Syndromes, Hereditary. Identifiers: Orphanet 140162, MedGen C0027672, MeSH D009386, MONDO:0015356.

Submission:

Ambry Genetics
Classification: Uncertain significance for Hereditary cancer-predisposing syndrome. Last evaluated: 2025-05-07. Review status: criteria provided, single submitter. Criteria: Ambry Variant Classification Scheme 2023. Collection method: clinical testing. Allele origin: germline.
Comment: The c.3814+5G>T intronic variant results from a G to T substitution 5 nucleotides after coding exon 30 in the TSC2 gene. This nucleotide position is highly conserved in available vertebrate species. In silico splice site analysis predicts that this alteration will not have any significant effect on splicing. Based on the available evidence, the clinical significance of this variant remains unclear.

NM_000548.5(TSC2):c.3814+5G>T

Gene: TSC2 (TSC complex subunit 2; plus strand). Cytogenetic location: 16p13.3.
Variant type: single nucleotide variant.
Coding change: c.3814+5G>T on transcript NM_000548.5 (MANE Select); 5 bases into the intron after coding-DNA position 3814, G replaced by T.
Molecular consequence: intron variant.
Genome position (GRCh38, 1-based): chr16:2,081,803, G>T. VCF-style: chr16-2081803-G-T. GRCh37 (hg19) VCF-style: chr16-2131804-G-T.
Other names: c.3814+5G>T (NM_001114382.3); c.3811+5G>T (NM_001406663.1, NM_001406664.1); c.3685+5G>T (NM_021055.3, NM_001370405.1, NM_001363528.2); c.3682+5G>T (NM_001406665.1, NM_001370404.1, NM_001077183.3); c.2341+5G>T (NM_001406694.1, NM_001406693.1, NM_001406690.1 and 1 more transcripts); c.2338+5G>T (NM_001406695.1, NM_001406696.1, NM_001406691.1 and 1 more transcripts); c.3673+5G>T (NM_001406671.1); c.3670+5G>T (NM_001406673.1); and 18 more.
Identifiers: ClinVar variation 3974592 (VCV003974592.1).
Genomic context (GRCh38, chr16:2,081,803, plus strand): 5'-GTCGGTGCCGGCAGCCAGCACGGCCAAACCCCCTCCTCTGCCTCGCTCCAACACAGGTGA[G>T]TGGCATGGCGGGCCTTGGCACGGGCTCTGCTCCCACTGGCCTGGTGCTCCCGGTGACGGC-3'